The following is an entry in ClinVar:

NM_173689.7(CRB2):c.2610G>A (p.Ala870=)

Gene: CRB2 (crumbs cell polarity complex component 2; plus strand). Cytogenetic location: 9q33.3.
Variant type: single nucleotide variant.
Coding change: c.2610G>A on transcript NM_173689.7 (MANE Select); coding-DNA position 2610, G replaced by A.
Protein change: p.Ala870=; no amino-acid change (alanine 870 retained).
Molecular consequence: synonymous variant. On other transcripts: non-coding transcript variant (1).
Genome position (GRCh38, 1-based): chr9:123,373,141, G>A. VCF-style: chr9-123373141-G-A. GRCh37 (hg19) VCF-style: chr9-126135420-G-A.
Other names: c.2610G>A (NM_173689.6).
Identifiers: ClinVar variation 1626447 (VCV001626447.10), dbSNP rs1162203262, ClinGen allele CA467205725.

ClinVar aggregate classification (germline): Likely benign. Review status: criteria provided, single submitter (1 of 4 stars). 2 submissions from 2 submitters: Likely benign (1). 1 of the submissions does not count toward it. Last evaluated 2023-11-20.

Conditions:
CRB2-related disorder. Also called: CRB2-related disorders; CRB2-related condition.

Allele frequency attached by ClinVar (database versions not stated): TOPMed below 0.00001; gnomAD 0.00001.
gnomAD v4.1: 6 of 1,505,108 alleles (0.0004%); highest among the groups gnomAD compares: Admixed American, 0.0021%; no homozygotes.

Submissions (2):

Labcorp Genetics (formerly Invitae), Labcorp
Classification: Likely benign. Last evaluated: 2023-11-20. Review status: criteria provided, single submitter. Criteria: Invitae Variant Classification Sherloc (09022015). Collection method: clinical testing. Allele origin: germline.

PreventionGenetics, part of Exact Sciences
Classification: Likely benign for CRB2-related condition. Last evaluated: 2022-12-19. Review status: no assertion criteria provided. Collection method: clinical testing. Allele origin: germline. Not counted in ClinVar's aggregate classification.
Comment: This variant is classified as likely benign based on ACMG/AMP sequence variant interpretation guidelines (Richards et al. 2015 PMID: 25741868, with internal and published modifications).